The following is an entry in ClinVar:

ClinVar aggregate classification (germline): Uncertain significance (1 of 4 stars; one submission).

Conditions:
Hereditary cancer-predisposing syndrome. Also called: Neoplastic Syndromes, Hereditary; Tumor predisposition; Hereditary Cancer Syndrome; Hereditary neoplastic syndrome. Identifiers: Orphanet 140162, MedGen C0027672, MeSH D009386, MONDO:0015356.

Submission:

Color Diagnostics, LLC DBA Color Health
Classification: Uncertain significance for Hereditary cancer-predisposing syndrome. Last evaluated: 2024-03-07. Review status: criteria provided, single submitter. Criteria: ACMG Guidelines, 2015. Collection method: clinical testing. Allele origin: germline.
Comment: This missense variant replaces phenylalanine with serine at codon 532 of the BAP1 protein. Computational prediction tool suggests that this variant may not impact protein structure and function (internally defined REVEL score threshold <=0.5, PMID: 27666373). Splice site prediction tools suggest that this variant may not impact RNA splicing. To our knowledge, functional studies have not been performed for this variant. This variant has not been reported in individuals affected with hereditary cancer in the literature. This variant has not been identified in the general population by the Genome Aggregation Database (gnomAD). The available evidence is insufficient to determine the role of this variant in disease conclusively. Therefore, this variant is classified as a Variant of Uncertain Significance.

NM_004656.4(BAP1):c.1595T>C (p.Phe532Ser)

Gene: BAP1 (BRCA1 associated deubiquitinase 1; minus strand). Cytogenetic location: 3p21.1.
Variant type: single nucleotide variant.
Coding change: c.1595T>C on transcript NM_004656.4 (MANE Select); coding-DNA position 1595, T replaced by C.
Protein change: p.Phe532Ser; replaces phenylalanine 532 with serine.
Molecular consequence: missense variant.
Genome position (GRCh38, 1-based): chr3:52,403,550, A>G on the plus strand (T>C on the coding strand, the complement: BAP1 is on the minus strand). VCF-style: chr3-52403550-A-G. GRCh37 (hg19) VCF-style: chr3-52437566-A-G.
Other names: short protein forms F532S.
Identifiers: ClinVar variation 921516 (VCV000921516.4), dbSNP rs1705041753, ClinGen allele CA353100506.